The following is an entry in ClinVar:

ClinVar aggregate classification (germline): Uncertain significance (1 of 4 stars; one submission).

Conditions:
Autosomal recessive limb-girdle muscular dystrophy type 2J (LGMDR10). Also called: Limb-girdle muscular dystrophy, type 2J; MUSCULAR DYSTROPHY, LIMB-GIRDLE, AUTOSOMAL RECESSIVE 10. Identifiers: Orphanet 140922, MedGen C1837342, MONDO:0012127, OMIM 608807.
Dilated cardiomyopathy 1G (CMD1G). Identifiers: Orphanet 154, MedGen C1858763, MONDO:0011400, OMIM 604145.

Submission:

Labcorp Genetics (formerly Invitae), Labcorp
Classification: Uncertain significance for Dilated cardiomyopathy 1G; Autosomal recessive limb-girdle muscular dystrophy type 2J. Last evaluated: 2025-06-11. Review status: criteria provided, single submitter. Criteria: Invitae Variant Classification Sherloc (09022015). Collection method: clinical testing. Allele origin: germline.
Comment: This sequence change replaces serine, which is neutral and polar, with asparagine, which is neutral and polar, at codon 35834 of the TTN protein (p.Ser35834Asn). This variant is not present in population databases (gnomAD no frequency). This variant has not been reported in the literature in individuals affected with TTN-related conditions. ClinVar contains an entry for this variant (Variation ID: 3753856). Experimental studies and prediction algorithms are not available or were not evaluated, and the functional significance of this variant is currently unknown. This variant is located in the M band of TTN (PMID: 25589632). Non-truncating variants in this region may be relevant for neuromuscular disorders, but have not been definitively shown to cause cardiomyopathy (PMID: 23975875). In summary, the available evidence is currently insufficient to determine the role of this variant in disease. Therefore, it has been classified as a Variant of Uncertain Significance.

Literature cited by the submitters: PubMed 25589632; PubMed 23975875.

NM_001267550.2(TTN):c.107501G>A (p.Ser35834Asn)

Genes: TTN (titin; minus strand), TTN-AS1 (TTN antisense RNA 1; plus strand). Cytogenetic location: 2q31.2.
Variant type: single nucleotide variant.
Coding change: c.107501G>A on transcript NM_001267550.2 (MANE Select); coding-DNA position 107501, G replaced by A.
Protein change: p.Ser35834Asn; replaces serine 35834 with asparagine.
Molecular consequence: missense variant.
Genome position (GRCh38, 1-based): chr2:178,527,625, C>T on the plus strand (G>A on the coding strand, the complement: TTN is on the minus strand). VCF-style: chr2-178527625-C-T. GRCh37 (hg19) VCF-style: chr2-179392352-C-T.
Other names: c.102578G>A, p.Ser34193Asn (NM_001256850.1); c.80306G>A, p.Ser26769Asn (NM_003319.4); c.99797G>A, p.Ser33266Asn (NM_133378.4); c.80681G>A, p.Ser26894Asn (NM_133432.3); c.80882G>A, p.Ser26961Asn (NM_133437.4); short protein forms S26769N, S26894N, S26961N, S33266N, S34193N, S35834N.
Identifiers: ClinVar variation 3753856 (VCV003753856.2).